The following is an entry in ClinVar:

ClinVar aggregate classification (germline): Uncertain significance. Review status: criteria provided, multiple submitters, no conflicts (2 of 4 stars). 2 submissions from 2 submitters: Uncertain significance (2). Last evaluated 2025-03-15.

Conditions:
Hereditary cancer-predisposing syndrome. Also called: Tumor predisposition; Hereditary Cancer Syndrome; Hereditary neoplastic syndrome; Neoplastic Syndromes, Hereditary. Identifiers: Orphanet 140162, MedGen C0027672, MeSH D009386, MONDO:0015356.
Familial meningioma. Also called: Meningioma, familial, susceptibility to. Identifiers: Orphanet 263662, MedGen C3551915, MONDO:0011789, OMIM 607174.

Submissions (2):

Ambry Genetics
Classification: Uncertain significance for Hereditary cancer-predisposing syndrome. Last evaluated: 2025-03-15. Review status: criteria provided, single submitter. Criteria: Ambry Variant Classification Scheme 2023. Collection method: clinical testing. Allele origin: germline.
Comment: The p.E352K variant (also known as c.1054G>A), located in coding exon 10 of the SMARCE1 gene, results from a G to A substitution at nucleotide position 1054. The glutamic acid at codon 352 is replaced by lysine, an amino acid with similar properties. This amino acid position is conserved. In addition, this alteration is predicted to be tolerated by in silico analysis. Based on the available evidence, the clinical significance of this variant remains unclear.

Labcorp Genetics (formerly Invitae), Labcorp
Classification: Uncertain significance for Familial meningioma. Last evaluated: 2021-03-09. Review status: criteria provided, single submitter. Criteria: Invitae Variant Classification Sherloc (09022015). Collection method: clinical testing. Allele origin: germline.
Comment: In summary, the available evidence is currently insufficient to determine the role of this variant in disease. Therefore, it has been classified as a Variant of Uncertain Significance. Algorithms developed to predict the effect of missense changes on protein structure and function are either unavailable or do not agree on the potential impact of this missense change (SIFT: "Tolerated"; PolyPhen-2: "Possibly Damaging"; Align-GVGD: "Class C0"). This variant has not been reported in the literature in individuals with SMARCE1-related conditions. This variant is not present in population databases (ExAC no frequency). This sequence change replaces glutamic acid with lysine at codon 352 of the SMARCE1 protein (p.Glu352Lys). The glutamic acid residue is highly conserved and there is a small physicochemical difference between glutamic acid and lysine.

NM_003079.5(SMARCE1):c.1054G>A (p.Glu352Lys)

Gene: SMARCE1 (SWI/SNF related BAF chromatin remodeling complex subunit E1; minus strand). Cytogenetic location: 17q21.2.
Variant type: single nucleotide variant.
Coding change: c.1054G>A on transcript NM_003079.5 (MANE Select); coding-DNA position 1054, G replaced by A.
Protein change: p.Glu352Lys; replaces glutamic acid 352 with lysine.
Molecular consequence: missense variant.
Genome position (GRCh38, 1-based): chr17:40,628,967, C>T on the plus strand (G>A on the coding strand, the complement: SMARCE1 is on the minus strand). VCF-style: chr17-40628967-C-T. GRCh37 (hg19) VCF-style: chr17-38785219-C-T.
Other names: c.1054G>A (NM_003079.4); short protein forms E352K.
Identifiers: ClinVar variation 1470890 (VCV001470890.9), dbSNP rs2143980865, ClinGen allele CA399361718.